The following is an entry in ClinVar:

ClinVar aggregate classification (germline): Benign. Review status: criteria provided, multiple submitters, no conflicts (2 of 4 stars). 2 submissions from 2 submitters: Benign (2). Last evaluated 2018-01-13.

Conditions:
Fibrous dysplasia of jaw (CRBM). Also called: Cherubism. Identifiers: Orphanet 184, MedGen C0008029, MONDO:0007315, OMIM 118400.

Allele frequency attached by ClinVar (database versions not stated): gnomAD 0.02257 and 0.02355; TOPMed 0.02596; gnomAD exomes 0.02743; 1000 Genomes Project 30x 0.02780; 1000 Genomes Project 0.02835.
gnomAD v4.1: 23,426 of 879,210 alleles (2.7%); highest among the groups gnomAD compares: Admixed American, 5.1%; 367 homozygotes.

Submissions (2):

Illumina Laboratory Services, Illumina
Classification: Benign for Fibrous dysplasia of jaw. Last evaluated: 2018-01-13. Review status: criteria provided, single submitter. Criteria: ICSL Variant Classification Criteria 13 December 2019. Collection method: clinical testing. Allele origin: germline.
Comment: This variant was observed in the ICSL laboratory as part of a predisposition screen in an ostensibly healthy population. It had not been previously curated by ICSL or reported in the Human Gene Mutation Database (HGMD: prior to June 1st, 2018), and was therefore a candidate for classification through an automated scoring system. Utilizing variant allele frequency, disease prevalence and penetrance estimates, and inheritance mode, an automated score was calculated to assess if this variant is too frequent to cause the disease. Based on the score and internal cut-off values, a variant classified as benign is not then subjected to further curation. The score for this variant resulted in a classification of benign for this disease.

Breakthrough Genomics
Classification: Benign. Review status: criteria provided, single submitter. Criteria: ACMG Guidelines, 2015. Collection method: not provided. Allele origin: germline. Inheritance: Autosomal dominant inheritance. Affected: yes.

NM_001122681.2(SH3BP2):c.-4-1638C>T

Gene: SH3BP2 (SH3 domain binding protein 2; plus strand). Cytogenetic location: 4p16.3.
Variant type: single nucleotide variant.
Coding change: c.-4-1638C>T on transcript NM_001122681.2 (MANE Select); 1638 bases into the intron before 4 bases upstream of the start codon, C replaced by T.
Molecular consequence: intron variant.
Genome position (GRCh38, 1-based): chr4:2,818,976, C>T. VCF-style: chr4-2818976-C-T. GRCh37 (hg19) VCF-style: chr4-2820703-C-T.
Other names: c.-4-1638C>T (LRG_1334t1); c.81-1638C>T (LRG_1334t2, NM_001145855.2); c.167+586C>T (NM_001145856.2); c.-99C>T (NM_003023.4).
Identifiers: ClinVar variation 348561 (VCV000348561.6), dbSNP rs78035476, ClinGen allele CA10620856.
Genomic context (GRCh38, chr4:2,818,976, plus strand): 5'-GTATTTTTCTTTTTATTTATTTTGTTTTTAATTTTTTAATTTTAGCTCCAGCTCAGTTGC[C>T]CAGACTGGAGAGCAGTGGCCAATCATAGCTTACTGCCTCCTGGAACTCCTGGCTCAATCG-3'